The following is an entry in ClinVar:

NM_022041.4(GAN):c.442C>G (p.His148Asp)

Gene: GAN (gigaxonin; plus strand). Cytogenetic location: 16q23.2.
Variant type: single nucleotide variant.
Coding change: c.442C>G on transcript NM_022041.4 (MANE Select); coding-DNA position 442, C replaced by G.
Protein change: p.His148Asp; replaces histidine 148 with aspartic acid.
Molecular consequence: missense variant. On other transcripts: 5 prime UTR variant (1).
Genome position (GRCh38, 1-based): chr16:81,354,564, C>G. VCF-style: chr16-81354564-C-G. GRCh37 (hg19) VCF-style: chr16-81388169-C-G.
Other names: c.-198C>G (NM_001377486.1); short protein forms H148D.
Identifiers: ClinVar variation 949102 (VCV000949102.8), dbSNP rs1910422294, ClinGen allele CA396868380.

ClinVar aggregate classification (germline): Uncertain significance (1 of 4 stars; one submission).

Conditions:
Giant axonal neuropathy 1 (GAN1). Also called: GIANT AXONAL NEUROPATHY 1, AUTOSOMAL RECESSIVE; GAN-Related Neurodegeneration. Identifiers: Orphanet 643, MedGen C1850386, MONDO:0009749, OMIM 256850.

Allele frequency attached by ClinVar (database versions not stated): gnomAD exomes below 0.00001.
gnomAD v4.1: 2 of 1,614,128 alleles (0.00012%); highest among the groups gnomAD compares: Non-Finnish European, 0.00017%; no homozygotes.

Submission:

Labcorp Genetics (formerly Invitae), Labcorp
Classification: Uncertain significance for Giant axonal neuropathy 1. Last evaluated: 2019-07-22. Review status: criteria provided, single submitter. Criteria: Invitae Variant Classification Sherloc (09022015). Collection method: clinical testing. Allele origin: germline.
Comment: Algorithms developed to predict the effect of missense changes on protein structure and function (SIFT, PolyPhen-2, Align-GVGD) all suggest that this variant is likely to be tolerated, but these predictions have not been confirmed by published functional studies and their clinical significance is uncertain. In summary, the available evidence is currently insufficient to determine the role of this variant in disease. Therefore, it has been classified as a Variant of Uncertain Significance. This variant has not been reported in the literature in individuals with GAN-related conditions. This variant is not present in population databases (ExAC no frequency). This sequence change replaces histidine with aspartic acid at codon 148 of the GAN protein (p.His148Asp). The histidine residue is highly conserved and there is a moderate physicochemical difference between histidine and aspartic acid.